The following is an entry in ClinVar:

ClinVar aggregate classification (germline): Uncertain significance (1 of 4 stars; one submission).

Conditions:
Dilated cardiomyopathy 1Z (CMD1Z). Identifiers: Orphanet 154, MedGen C2678475, MONDO:0012745, OMIM 611879.
Hypertrophic cardiomyopathy 13. Also called: TNNC1-Related Familial Hypertrophic Cardiomyopathy. Identifiers: MedGen C2750472, MONDO:0013195, OMIM 613243.

Submission:

Labcorp Genetics (formerly Invitae), Labcorp
Classification: Uncertain significance for Hypertrophic cardiomyopathy 13; Dilated cardiomyopathy 1Z. Last evaluated: 2017-05-22. Review status: criteria provided, single submitter. Criteria: Invitae Variant Classification Sherloc (09022015). Collection method: clinical testing. Allele origin: germline.
Comment: This sequence change replaces lysine with threonine at codon 158 of the TNNC1 protein (p.Lys158Thr). The lysine residue is moderately conserved and there is a moderate physicochemical difference between lysine and threonine. This variant is not present in population databases (ExAC no frequency). This variant has not been reported in the literature in individuals with a TNNC1-related disease. Algorithms developed to predict the effect of missense changes on protein structure and function (SIFT, PolyPhen-2, Align-GVGD) all suggest that this variant is likely to be tolerated, but these predictions have not been confirmed by published functional studies and their clinical significance is uncertain. In summary, this variant has uncertain impact on TNNC1 function. The available evidence is currently insufficient to determine its role in disease. Therefore, it has been classified as a Variant of Uncertain Significance.

NM_003280.3(TNNC1):c.473A>C (p.Lys158Thr)

Gene: TNNC1 (troponin C1, slow skeletal and cardiac type; minus strand). Cytogenetic location: 3p21.1.
Variant type: single nucleotide variant.
Coding change: c.473A>C on transcript NM_003280.3 (MANE Select); coding-DNA position 473, A replaced by C.
Protein change: p.Lys158Thr; replaces lysine 158 with threonine.
Molecular consequence: missense variant.
Genome position (GRCh38, 1-based): chr3:52,451,288, T>G on the plus strand (A>C on the coding strand, the complement: TNNC1 is on the minus strand). VCF-style: chr3-52451288-T-G. GRCh37 (hg19) VCF-style: chr3-52485304-T-G.
Other names: c.473A>C (LRG_378t1); short protein forms K158T.
Identifiers: ClinVar variation 470559 (VCV000470559.5), dbSNP rs1553651622, ClinGen allele CA353164645.